The following is an entry in ClinVar:

NM_001378454.1(ALMS1):c.861C>T (p.Asp287=)

Gene: ALMS1 (ALMS1 centrosome and basal body associated protein; plus strand). Cytogenetic location: 2p13.1.
Variant type: single nucleotide variant.
Coding change: c.861C>T on transcript NM_001378454.1 (MANE Select); coding-DNA position 861, C replaced by T.
Protein change: p.Asp287=; no amino-acid change (aspartic acid 287 retained).
Molecular consequence: synonymous variant.
Genome position (GRCh38, 1-based): chr2:73,424,526, C>T. VCF-style: chr2-73424526-C-T. GRCh37 (hg19) VCF-style: chr2-73651654-C-T.
Other names: c.864C>T, p.Asp288= (NM_015120.4).
Identifiers: ClinVar variation 529405 (VCV000529405.20), dbSNP rs377281121, ClinGen allele CA1713001.

ClinVar aggregate classification (germline): Conflicting classifications of pathogenicity. Review status: criteria provided, conflicting classifications (1 of 4 stars). 7 submissions from 7 submitters: Uncertain significance (1); Likely benign (4). 2 of the submissions do not count toward it. Last evaluated 2026-01-14.

Conditions:
Cardiovascular phenotype. Identifiers: MedGen CN230736.
Alstrom syndrome (ALMS). Identifiers: Orphanet 64, MedGen C0268425, MONDO:0008763, OMIM 203800.

Allele frequency attached by ClinVar (database versions not stated): ExAC 0.00010; gnomAD exomes 0.00013 and 0.00024; ESP Exome Variant Server 0.00017; TOPMed 0.00020; gnomAD 0.00025 and 0.00028.
gnomAD v4.1: 370 of 1,611,382 alleles (0.023%); highest among the groups gnomAD compares: Admixed American, 0.045%; 1 homozygote.

Submissions (7):

Labcorp Genetics (formerly Invitae), Labcorp
Classification: Likely benign for Alstrom syndrome. Last evaluated: 2026-01-14. Review status: criteria provided, single submitter. Criteria: Invitae Variant Classification Sherloc (09022015). Collection method: clinical testing. Allele origin: germline.

Blueprint Genetics
Classification: Likely benign. Last evaluated: 2024-04-16. Review status: criteria provided, single submitter. Criteria: ACMG Guidelines, 2015. Collection method: clinical testing. Allele origin: germline.

GeneDx
Classification: Likely benign. Last evaluated: 2021-01-13. Review status: criteria provided, single submitter. Criteria: GeneDx Variant Classification Process June 2021. Collection method: clinical testing. Allele origin: germline. Affected: yes.

Ambry Genetics
Classification: Likely benign for Cardiovascular phenotype. Last evaluated: 2020-05-29. Review status: criteria provided, single submitter. Criteria: Ambry Variant Classification Scheme 2023. Collection method: clinical testing. Allele origin: germline.

Women's Health and Genetics/Laboratory Corporation of America, LabCorp
Classification: Uncertain significance. Last evaluated: 2018-03-12. Review status: criteria provided, single submitter. Criteria: LabCorp Variant Classification Summary - May 2015. Collection method: clinical testing. Allele origin: germline.
Comment: Variant summary: ALMS1 c.861C>T (alternative c.864C>T) alters a non-conserved nucleotide resulting in a synonymous change. 5/5 computational tools predict no significant impact on normal splicing. However, these predictions have yet to be confirmed by functional studies. The variant is found in the gnomAD database at a frequency of 0.00014. This frequency is not higher than expected for a pathogenic variant in ALMS1 causing Cardiomyopathy (0.00014 vs 0.0022), allowing no conclusion about variant significance. The c.861C>T variant has been reported in the literature in one individual affected with Alstrom syndrome. This report does not provide unequivocal conclusions about an association of the variant with Cardiomyopathy. To our knowledge, no experimental evidence demonstrating an impact on protein function has been reported. No clinical diagnostic laboratories have submitted clinical-significance assessments for this variant to ClinVar after 2014. Based on the evidence outlined above, the variant was classified as VUS-possibly benign.

Clinical Genetics DNA and cytogenetics Diagnostics Lab, Erasmus MC, Erasmus Medical Center
Classification: Likely benign. Review status: no assertion criteria provided. Collection method: clinical testing. Allele origin: germline. Affected: yes. Study: VKGL Data-share Consensus. Not counted in ClinVar's aggregate classification.

Clinical Genetics, Academic Medical Center
Classification: Benign. Review status: no assertion criteria provided. Collection method: clinical testing. Allele origin: germline. Affected: yes. Study: VKGL Data-share Consensus. Not counted in ClinVar's aggregate classification.